The following is an entry in ClinVar:

NM_002156.5(HSPD1):c.531C>T (p.Asn177=)

Gene: HSPD1 (heat shock protein family D (Hsp60) member 1; minus strand). Cytogenetic location: 2q33.1.
Variant type: single nucleotide variant.
Coding change: c.531C>T on transcript NM_002156.5 (MANE Select); coding-DNA position 531, C replaced by T.
Protein change: p.Asn177=; no amino-acid change (asparagine 177 retained).
Molecular consequence: synonymous variant.
Genome position (GRCh38, 1-based): chr2:197,494,732, G>A on the plus strand (C>T on the coding strand, the complement: HSPD1 is on the minus strand). VCF-style: chr2-197494732-G-A. GRCh37 (hg19) VCF-style: chr2-198359456-G-A.
Other names: c.531C>T, p.Asn177= (NM_199440.2).
Identifiers: ClinVar variation 4977298 (VCV004977298.1).

ClinVar aggregate classification (germline): Likely benign (1 of 4 stars; one submission).

Conditions:
HSPD1-related disorder. Also called: HSPD1-related condition.

gnomAD v4.1: 10 of 1,612,074 alleles (0.00062%); highest among the groups gnomAD compares: South Asian, 0.0044%; no homozygotes.

Submission:

PreventionGenetics, part of Exact Sciences
Classification: Likely benign for HSPD1-related condition. Last evaluated: 2026-03-24. Review status: criteria provided, single submitter. Criteria: ACMG Guidelines, 2015. Collection method: clinical testing. Allele origin: germline.
Comment: This variant is classified as likely benign based on ACMG/AMP sequence variant interpretation guidelines (Richards et al. 2015 PMID: 25741868, with internal and published modifications).